The following is an entry in ClinVar:

ClinVar aggregate classification (germline): Uncertain significance (1 of 4 stars; one submission).

Submission:

Labcorp Genetics (formerly Invitae), Labcorp
Classification: Uncertain significance. Last evaluated: 2023-04-14. Review status: criteria provided, single submitter. Criteria: Invitae Variant Classification Sherloc (09022015). Collection method: clinical testing. Allele origin: germline.
Comment: This sequence change replaces arginine, which is basic and polar, with glycine, which is neutral and non-polar, at codon 1187 of the ABCB4 protein (p.Arg1187Gly). This variant is not present in population databases (gnomAD no frequency). This variant has not been reported in the literature in individuals affected with ABCB4-related conditions. Advanced modeling of protein sequence and biophysical properties (such as structural, functional, and spatial information, amino acid conservation, physicochemical variation, residue mobility, and thermodynamic stability) has been performed at Invitae for this missense variant, however the output from this modeling did not meet the statistical confidence thresholds required to predict the impact of this variant on ABCB4 protein function. In summary, the available evidence is currently insufficient to determine the role of this variant in disease. Therefore, it has been classified as a Variant of Uncertain Significance.

NM_000443.4(ABCB4):c.3559C>G (p.Arg1187Gly)

Gene: ABCB4 (ATP binding cassette subfamily B member 4; minus strand). Cytogenetic location: 7q21.12.
Variant type: single nucleotide variant.
Coding change: c.3559C>G on transcript NM_000443.4 (MANE Select); coding-DNA position 3559, C replaced by G.
Protein change: p.Arg1187Gly; replaces arginine 1187 with glycine.
Molecular consequence: missense variant.
Genome position (GRCh38, 1-based): chr7:87,403,209, G>C on the plus strand (C>G on the coding strand, the complement: ABCB4 is on the minus strand). VCF-style: chr7-87403209-G-C. GRCh37 (hg19) VCF-style: chr7-87032525-G-C.
Other names: c.3580C>G, p.Arg1194Gly (NM_018849.3); c.3418C>G, p.Arg1140Gly (NM_018850.3); short protein forms R1194G, R1140G, R1187G.
Identifiers: ClinVar variation 2840068 (VCV002840068.3), dbSNP rs1460630569, ClinGen allele CA368057600.